The following is an entry in ClinVar:

ClinVar aggregate classification (germline): Uncertain significance (1 of 4 stars; one submission).

Submission:

GeneDx
Classification: Uncertain significance. Last evaluated: 2025-11-21. Review status: criteria provided, single submitter. Criteria: GeneDx Variant Classification Process June 2021. Collection method: clinical testing. Allele origin: germline.
Comment: Not observed at significant frequency in large population cohorts (gnomAD); In silico analysis supports that this missense variant has a deleterious effect on protein structure/function; Has not been previously published as pathogenic or benign to our knowledge

NM_007144.3(PCGF2):c.517A>G (p.Thr173Ala)

Gene: PCGF2 (polycomb group ring finger 2; minus strand). Cytogenetic location: 17q12.
Variant type: single nucleotide variant.
Coding change: c.517A>G on transcript NM_007144.3 (MANE Select); coding-DNA position 517, A replaced by G.
Protein change: p.Thr173Ala; replaces threonine 173 with alanine.
Molecular consequence: missense variant.
Genome position (GRCh38, 1-based): chr17:38,738,412, T>C on the plus strand (A>G on the coding strand, the complement: PCGF2 is on the minus strand). VCF-style: chr17-38738412-T-C. GRCh37 (hg19) VCF-style: chr17-36894665-T-C.
Other names: c.517A>G, p.Thr173Ala (NM_001369614.1, NM_001369615.1); short protein forms T173A.
Identifiers: ClinVar variation 3903410 (VCV003903410.2).